The following is an entry in ClinVar:

ClinVar aggregate classification (germline): Pathogenic (1 of 4 stars; one submission).

Conditions:
Joubert syndrome. Also called: Familial aplasia of the vermis; CEREBELLOPARENCHYMAL DISORDER IV; JOUBERT-BOLTSHAUSER SYNDROME. Identifiers: Orphanet 475, MedGen C5979921, MONDO:0018772.

Submission:

Labcorp Genetics (formerly Invitae), Labcorp
Classification: Pathogenic for Joubert syndrome. Last evaluated: 2022-01-06. Review status: criteria provided, single submitter. Criteria: Invitae Variant Classification Sherloc (09022015). Collection method: clinical testing. Allele origin: germline.
Comment: This sequence change creates a premature translational stop signal (p.Cys83*) in the TMEM216 gene. It is expected to result in an absent or disrupted protein product. Loss-of-function variants in TMEM216 are known to be pathogenic (PMID: 20512146). This variant is not present in population databases (gnomAD no frequency). For these reasons, this variant has been classified as Pathogenic. ClinVar contains an entry for this variant (Variation ID: 1075309). This variant has not been reported in the literature in individuals affected with TMEM216-related conditions.

Literature cited by the submitters: PubMed 20512146.

NM_001173990.3(TMEM216):c.249C>A (p.Cys83Ter)

Gene: TMEM216 (transmembrane protein 216; plus strand). Cytogenetic location: 11q12.2.
Variant type: single nucleotide variant.
Coding change: c.249C>A on transcript NM_001173990.3 (MANE Select); coding-DNA position 249, C replaced by A.
Protein change: p.Cys83Ter; replaces cysteine 83 with a stop codon.
Molecular consequence: nonsense.
Genome position (GRCh38, 1-based): chr11:61,397,793, C>A. VCF-style: chr11-61397793-C-A. GRCh37 (hg19) VCF-style: chr11-61165265-C-A.
Other names: c.249C>A, p.Cys83Ter (NM_001173991.3); c.66C>A, p.Cys22Ter (NM_001330285.2, NM_016499.6); short protein forms C22*, C83*.
Identifiers: ClinVar variation 1075309 (VCV001075309.7), dbSNP rs2135195989, ClinGen allele CA380685862.